The following is an entry in ClinVar:

ClinVar aggregate classification (germline): Uncertain significance. Review status: criteria provided, multiple submitters, no conflicts (2 of 4 stars). 3 submissions from 3 submitters: Uncertain significance (2). 1 of the submissions does not count toward it. Last evaluated 2026-09-01.

Conditions:
Inborn genetic diseases. Identifiers: MedGen C0950123, MeSH D030342.
LAMA5-related disorder. Also called: LAMA5-Related Disorders; LAMA5-related condition.

Allele frequency attached by ClinVar (database versions not stated): TOPMed 0.00003; gnomAD 0.00007; gnomAD exomes 0.00015; 1000 Genomes Project 0.00040; 1000 Genomes Project 30x 0.00047; ExAC 0.00052.
gnomAD v4.1: 221 of 1,605,724 alleles (0.014%); highest among the groups gnomAD compares: South Asian, 0.22%; 5 homozygotes.

Submissions (3):

CeGaT Center for Human Genetics Tuebingen
Classification: Uncertain significance. Last evaluated: 2026-09-01. Review status: criteria provided, single submitter. Criteria: CeGaT Center For Human Genetics Tuebingen Variant Classification Criteria Version 2. Collection method: clinical testing. Allele origin: germline. Affected: yes. Observed: 2 variant alleles.

Ambry Genetics
Classification: Uncertain significance for Inborn genetic diseases. Last evaluated: 2024-08-01. Review status: criteria provided, single submitter. Criteria: Ambry Variant Classification Scheme 2023. Collection method: clinical testing. Allele origin: germline.

PreventionGenetics, part of Exact Sciences
Classification: Likely benign for LAMA5-related condition. Last evaluated: 2023-02-03. Review status: no assertion criteria provided. Collection method: clinical testing. Allele origin: germline. Not counted in ClinVar's aggregate classification.
Comment: This variant is classified as likely benign based on ACMG/AMP sequence variant interpretation guidelines (Richards et al. 2015 PMID: 25741868, with internal and published modifications).

NM_005560.6(LAMA5):c.9799G>A (p.Val3267Met)

Gene: LAMA5 (laminin subunit alpha 5; minus strand). Cytogenetic location: 20q13.33.
Variant type: single nucleotide variant.
Coding change: c.9799G>A on transcript NM_005560.6 (MANE Select); coding-DNA position 9799, G replaced by A.
Protein change: p.Val3267Met; replaces valine 3267 with methionine.
Molecular consequence: missense variant.
Genome position (GRCh38, 1-based): chr20:62,311,621, C>T on the plus strand (G>A on the coding strand, the complement: LAMA5 is on the minus strand). VCF-style: chr20-62311621-C-T. GRCh37 (hg19) VCF-style: chr20-60886677-C-T.
Other names: c.9799G>A (NM_005560.3, NM_005560.4); short protein forms V3267M.
Identifiers: ClinVar variation 2652475 (VCV002652475.26), dbSNP rs538749758, ClinGen allele CA9940065.